The following is an entry in ClinVar:

NM_017841.4(SDHAF2):c.107G>A (p.Arg36Lys)

Gene: SDHAF2 (succinate dehydrogenase complex assembly factor 2; plus strand). Cytogenetic location: 11q12.2.
Variant type: single nucleotide variant.
Coding change: c.107G>A on transcript NM_017841.4 (MANE Select); coding-DNA position 107, G replaced by A.
Protein change: p.Arg36Lys; replaces arginine 36 with lysine.
Molecular consequence: missense variant.
Genome position (GRCh38, 1-based): chr11:61,437,695, G>A. VCF-style: chr11-61437695-G-A. GRCh37 (hg19) VCF-style: chr11-61205167-G-A.
Other names: short protein forms R36K.
Identifiers: ClinVar variation 5029229 (VCV005029229.1).

ClinVar aggregate classification (germline): Uncertain significance (1 of 4 stars; one submission).

Conditions:
Hereditary cancer-predisposing syndrome. Also called: Neoplastic Syndromes, Hereditary; Tumor predisposition; Hereditary neoplastic syndrome; Hereditary Cancer Syndrome. Identifiers: Orphanet 140162, MedGen C0027672, MeSH D009386, MONDO:0015356.

Submission:

Ambry Genetics
Classification: Uncertain significance for Hereditary cancer-predisposing syndrome. Last evaluated: 2026-07-06. Review status: criteria provided, single submitter. Criteria: Ambry Variant Classification Scheme 2023. Collection method: clinical testing. Allele origin: germline.
Comment: The p.R36K variant (also known as c.107G>A), located in coding exon 2 of the SDHAF2 gene, results from a G to A substitution at nucleotide position 107. The arginine at codon 36 is replaced by lysine, an amino acid with highly similar properties. This amino acid position is conserved. In addition, this alteration is predicted to be tolerated by in silico analysis. Based on the available evidence, the clinical significance of this variant remains unclear.